The following is an entry in ClinVar:

NM_002880.4(RAF1):c.512A>C (p.Lys171Thr)

Gene: RAF1 (Raf-1 proto-oncogene, serine/threonine kinase; minus strand). Cytogenetic location: 3p25.2.
Variant type: single nucleotide variant.
Coding change: c.512A>C on transcript NM_002880.4 (MANE Select); coding-DNA position 512, A replaced by C.
Protein change: p.Lys171Thr; replaces lysine 171 with threonine.
Molecular consequence: missense variant. On other transcripts: non-coding transcript variant (3).
Genome position (GRCh38, 1-based): chr3:12,608,835, T>G on the plus strand (A>C on the coding strand, the complement: RAF1 is on the minus strand). VCF-style: chr3-12608835-T-G. GRCh37 (hg19) VCF-style: chr3-12650334-T-G.
Other names: c.512A>C, p.Lys171Thr (NM_001354689.3, NM_001354690.3, NM_001354693.3); c.269A>C, p.Lys90Thr (NM_001354691.3, NM_001354692.3, NM_001354694.3 and 1 more transcripts); short protein forms K171T, K90T.
Identifiers: ClinVar variation 1712150 (VCV001712150.8), dbSNP rs876657969, ClinGen allele CA351516866.

ClinVar aggregate classification (germline): Uncertain significance. Review status: criteria provided, multiple submitters, no conflicts (2 of 4 stars). 3 submissions from 3 submitters: Uncertain significance (3). Last evaluated 2026-02-01.

Conditions:
RASopathy. Also called: Noonan spectrum disorder; rasopathies. Identifiers: Orphanet 536391, MedGen C5555857, MONDO:0021060.

Allele frequency attached by ClinVar (database versions not stated): TOPMed below 0.00001; gnomAD 0.00001.
gnomAD v4.1: 2 of 1,614,070 alleles (0.00012%); highest among the groups gnomAD compares: Non-Finnish European, 0.00017%; no homozygotes.

Submissions (3):

CeGaT Center for Human Genetics Tuebingen
Classification: Uncertain significance. Last evaluated: 2026-02-01. Review status: criteria provided, single submitter. Criteria: CeGaT Center For Human Genetics Tuebingen Variant Classification Criteria Version 2. Collection method: clinical testing. Allele origin: germline. Affected: yes. Observed: 1 variant allele.
Comment: RAF1: PM2:Supporting, PP3

Labcorp Genetics (formerly Invitae), Labcorp
Classification: Uncertain significance for RASopathy. Last evaluated: 2025-03-15. Review status: criteria provided, single submitter. Criteria: Invitae Variant Classification Sherloc (09022015). Collection method: clinical testing. Allele origin: germline.
Comment: This sequence change replaces lysine, which is basic and polar, with threonine, which is neutral and polar, at codon 171 of the RAF1 protein (p.Lys171Thr). This variant is not present in population databases (gnomAD no frequency). This variant has not been reported in the literature in individuals affected with RAF1-related conditions. ClinVar contains an entry for this variant (Variation ID: 1712150). Invitae Evidence Modeling of protein sequence and biophysical properties (such as structural, functional, and spatial information, amino acid conservation, physicochemical variation, residue mobility, and thermodynamic stability) indicates that this missense variant is expected to disrupt RAF1 protein function with a positive predictive value of 95%. In summary, the available evidence is currently insufficient to determine the role of this variant in disease. Therefore, it has been classified as a Variant of Uncertain Significance.

GeneDx
Classification: Uncertain significance. Last evaluated: 2024-10-16. Review status: criteria provided, single submitter. Criteria: GeneDx Variant Classification Process June 2021. Collection method: clinical testing. Allele origin: germline. Affected: yes.
Comment: Not observed at significant frequency in large population cohorts (gnomAD); Missense variants in this gene are a common cause of disease and they are underrepresented in the general population; In silico analysis supports that this missense variant has a deleterious effect on protein structure/function; Has not been previously published as pathogenic or benign to our knowledge; This variant is associated with the following publications: (PMID: 29493581)